The following is an entry in ClinVar:

NM_024426.6(WT1):c.1218A>C (p.Arg406Ser)

Gene: WT1 (WT1 transcription factor; minus strand). Cytogenetic location: 11p13.
Variant type: single nucleotide variant.
Coding change: c.1218A>C on transcript NM_024426.6 (MANE Select); coding-DNA position 1218, A replaced by C.
Protein change: p.Arg406Ser; replaces arginine 406 with serine.
Molecular consequence: missense variant. On other transcripts: non-coding transcript variant (1).
Genome position (GRCh38, 1-based): chr11:32,396,303, T>G on the plus strand (A>C on the coding strand, the complement: WT1 is on the minus strand). VCF-style: chr11-32396303-T-G. GRCh37 (hg19) VCF-style: chr11-32417849-T-G.
Other names: c.1167A>C, p.Arg389Ser (NM_000378.6, NM_001407045.1, NM_001407048.1 and 1 more transcripts); c.567A>C, p.Arg189Ser (NM_001198551.2); c.516A>C, p.Arg172Ser (NM_001198552.2); c.30A>C, p.Arg10Ser (NM_001367854.1); c.1212A>C, p.Arg404Ser (NM_001407044.1); c.1218A>C, p.Arg406Ser (NM_001407046.1, NM_024424.5); c.1095A>C, p.Arg365Ser (NM_001407047.1); c.1044A>C, p.Arg348Ser (NM_001407050.1); and 2 more; short protein forms R189S, R406S, R10S, R389S, R172S, R384S, R348S, R152S.
Identifiers: ClinVar variation 543136 (VCV000543136.15), dbSNP rs1554939793, ClinGen allele CA379959871.

ClinVar aggregate classification (germline): Uncertain significance. Review status: criteria provided, multiple submitters, no conflicts (2 of 4 stars). 4 submissions from 4 submitters: Uncertain significance (4). Last evaluated 2025-06-05.

Conditions:
Inborn genetic diseases. Identifiers: MedGen C0950123, MeSH D030342.
Wilms tumor 1 (WT1). Also called: Wilms tumor, somatic. Identifiers: Orphanet 654, MedGen CN033288, MONDO:0008679, OMIM 194070.
11p partial monosomy syndrome (WAGR). Also called: CHROMOSOME 11p13 DELETION SYNDROME; WAGR Spectrum Disorder; WAGR syndrome; WAGR Complex. Identifiers: Orphanet 893, MedGen C0206115, MONDO:0008681, OMIM 194072.
Aniridia 1 (AN1). Identifiers: Orphanet 250923, MedGen C0344542, MONDO:0024507, OMIM 106210.
Meacham syndrome. Also called: Meacham Winn Culler syndrome. Identifiers: Orphanet 3097, MedGen C1837026, MONDO:0012164, OMIM 608978.
Mesothelioma, malignant (MESOM). Also called: Malignant mesothelioma (disease). Identifiers: Orphanet 50251, MedGen C0345967, MONDO:0006292, OMIM 156240, HP:0100001.
Frasier syndrome. Identifiers: Orphanet 347, MedGen C0950122, MeSH D052159, MONDO:0007635, OMIM 136680.
Nephrotic syndrome, type 4 (NPHS4). Also called: Familial mesangial sclerosis; Nephrotic syndrome, early onset with diffuse mesangial sclerosis. Identifiers: Orphanet 656, MedGen C3151568, MONDO:0009733, OMIM 256370.
Drash syndrome (DDS). Also called: NEPHROPATHY, WILMS TUMOR, AND GENITAL ANOMALIES; WILMS TUMOR AND PSEUDO- OR TRUE HERMAPHRODITISM. Identifiers: Orphanet 220, MedGen C0950121, MONDO:0008682, OMIM 194080.

Submissions (4):

GeneDx
Classification: Uncertain significance. Last evaluated: 2025-06-05. Review status: criteria provided, single submitter. Criteria: GeneDx Variant Classification Process June 2021. Collection method: clinical testing. Allele origin: germline. Affected: yes.
Comment: Not observed at significant frequency in large population cohorts (gnomAD); In silico analysis supports that this missense variant has a deleterious effect on protein structure/function; Has not been previously published as pathogenic or benign to our knowledge; Also known as c.1218A>C; p.(Arg406Ser); This variant is associated with the following publications: (PMID: 17361230)

Ambry Genetics
Classification: Uncertain significance for Inborn genetic diseases. Last evaluated: 2025-03-26. Review status: criteria provided, single submitter. Criteria: Ambry Variant Classification Scheme 2023. Collection method: clinical testing. Allele origin: germline.
Comment: The p.R401S variant (also known as c.1203A>C), located in coding exon 7 of the WT1 gene, results from an A to C substitution at nucleotide position 1203. The arginine at codon 401 is replaced by serine, an amino acid with dissimilar properties. This amino acid position is conserved. In addition, the in silico prediction for this alteration is inconclusive. Based on the available evidence, the clinical significance of this variant remains unclear.

Fulgent Genetics
Classification: Uncertain significance for Aniridia 1; Frasier syndrome; Mesothelioma, malignant; Wilms tumor 1; 11p partial monosomy syndrome; Drash syndrome; Nephrotic syndrome, type 4; Meacham syndrome. Last evaluated: 2021-09-08. Review status: criteria provided, single submitter. Criteria: ACMG Guidelines, 2015. Collection method: clinical testing. Allele origin: unknown.

Labcorp Genetics (formerly Invitae), Labcorp
Classification: Uncertain significance for Wilms tumor 1; Drash syndrome; 11p partial monosomy syndrome; Frasier syndrome. Last evaluated: 2019-11-23. Review status: criteria provided, single submitter. Criteria: Invitae Variant Classification Sherloc (09022015). Collection method: clinical testing. Allele origin: germline.
Comment: This variant is not present in population databases (ExAC no frequency). In summary, the available evidence is currently insufficient to determine the role of this variant in disease. Therefore, it has been classified as a Variant of Uncertain Significance. Algorithms developed to predict the effect of missense changes on protein structure and function (SIFT, PolyPhen-2, Align-GVGD) all suggest that this variant is likely to be disruptive, but these predictions have not been confirmed by published functional studies and their clinical significance is uncertain. This variant has not been reported in the literature in individuals with WT1-related conditions. ClinVar contains an entry for this variant (Variation ID: 543136). This sequence change replaces arginine with serine at codon 401 of the WT1 protein (p.Arg401Ser). The arginine residue is highly conserved and there is a moderate physicochemical difference between arginine and serine.